The following is an entry in ClinVar:

ClinVar aggregate classification (germline): Uncertain significance (1 of 4 stars; one submission).

Conditions:
Autosomal dominant nonsyndromic hearing loss 20. Identifiers: Orphanet 90635, MedGen C1858172, MONDO:0011480, OMIM 604717.

Submission:

3billion
Classification: Uncertain significance for Autosomal dominant nonsyndromic hearing loss 20. Last evaluated: 2022-01-03. Review status: criteria provided, single submitter. Criteria: ACMG Guidelines, 2015. Collection method: clinical testing. Allele origin: germline. Affected: yes. Observed: 1 heterozygote.
Comment: The variant is not observed in the gnomAD v2.1.1 dataset (PM2_M). In silico tool predictions suggest damaging effect of the variant on gene or gene product (REVEL: 0.867, 3CNET: 0.986, PP3_P). A missense variant is a common mechanism associated with Deafness (PP2_P). Therefore, this variant is classified as uncertain significance according to the recommendation of ACMG/AMP guideline.

NM_001614.5(ACTG1):c.283C>T (p.Arg95Cys)

Gene: ACTG1 (actin gamma 1; minus strand). Cytogenetic location: 17q25.3.
Variant type: single nucleotide variant.
Coding change: c.283C>T on transcript NM_001614.5 (MANE Select); coding-DNA position 283, C replaced by T.
Protein change: p.Arg95Cys; replaces arginine 95 with cysteine.
Molecular consequence: missense variant. On other transcripts: non-coding transcript variant (1).
Genome position (GRCh38, 1-based): chr17:81,511,983, G>A on the plus strand (C>T on the coding strand, the complement: ACTG1 is on the minus strand). VCF-style: chr17-81511983-G-A. GRCh37 (hg19) VCF-style: chr17-79479009-G-A.
Other names: c.283C>T, p.Arg95Cys (NM_001199954.3); short protein forms R95C.
Identifiers: ClinVar variation 1333682 (VCV001333682.1), dbSNP rs2143783076, ClinGen allele CA401462995.